The following is an entry in ClinVar:

NC_000009.12:g.35657756C>G

Gene: RMRP (RNA component of mitochondrial RNA processing endoribonuclease; minus strand). Cytogenetic location: 9p13.3.
Variant type: single nucleotide variant.
Genome position: GRCh38 VCF-style: chr9-35657756-C-G. GRCh37 (hg19) VCF-style: chr9-35657753-C-G.
Identifiers: ClinVar variation 1299142 (VCV001299142.40), dbSNP rs727502774, ClinGen allele CA464450131.

ClinVar aggregate classification (germline): Likely pathogenic. Review status: reviewed by expert panel (3 of 4 stars). 3 submissions from 3 submitters: Likely pathogenic (1). 2 of the submissions do not count toward it. Last evaluated 2026-08-28.

Conditions:
Anauxetic dysplasia. Identifiers: Orphanet 93347, MedGen C1846796, MONDO:0011773.
Metaphyseal chondrodysplasia, McKusick type (CHH). Also called: Cartilage-Hair Hypoplasia (CHH); Cartilage-hair hypoplasia. Identifiers: Orphanet 175, MedGen C0220748, MONDO:0009595, OMIM 250250.

gnomAD v4.1: 2 of 685,554 alleles (0.00029%); highest among the groups gnomAD compares: Admixed American, 0.002%; no homozygotes.

Submissions (3):

ClinGen Severe Combined Immunodeficiency Variant Curation Expert Panel, ClinGen
Classification: Likely pathogenic for Metaphyseal chondrodysplasia, McKusick type. Last evaluated: 2026-08-28. Review status: reviewed by expert panel. Criteria: ClinGen SCID ACMG Specifications RMRP V1.3. Collection method: curation. Allele origin: germline. Inheritance: Autosomal recessive inheritance.
Comment: The NC_000009.12:g.35657756C>G variant is also known as NR_003051.4:n.264G>C or n.262G>C, in RMRP gene. The popmax filtering allele frequency in Admixed American population in gnomAD v4.1.0 is 0.00002028 which is lower than the PM2 threshold (<0.0000447) so PM2_Supporting is applicable. This variant has beem reported in compound heterozygous status with 70A>G (ClinVar ID: 14208) which is a P, in 2 affected siblings [Patient 21 and 22] in a family with CHH [1pt] (PMID: 16838329) So PM3 Met. This variant in compound heterozygous status segregated with two affected siblings in a family (PMID: 16838329). LOD score: 0.6. So PP1 met. This variant has been reported in at least one patient with this variant displayed metaphyseal dysplasia (1pt) and hypotrichosis (0.5pt), which is highly specific for cartilage-hair hypoplasia (PP4_Supporting; PMIDs: 16838329). Another nucleotide change at the same position NC_000009.12:g.35657756C>A (ClinVar ID: 14209) is classified as Pathogenic by the SCID-VCEP so PS1_Supporting met. Therefore, this variant is classified as likely pathogenic for autosomal recessive cartilage-hair hypoplasia based on the ACMG/AMP criteria applied, as specified by the ClinGen SCID VCEP: PM3, PP1, PP4, PS1_Supporting, PM2_Supporting. (VCEP specifications version 1.3.0)

Labcorp Genetics (formerly Invitae), Labcorp
Classification: Likely pathogenic for Anauxetic dysplasia. Last evaluated: 2024-12-03. Review status: criteria provided, single submitter. Criteria: Invitae Variant Classification Sherloc (09022015). Collection method: clinical testing. Allele origin: germline. Not counted in ClinVar's aggregate classification.
Comment: This variant occurs in the RMRP gene, which encodes an RNA molecule that does not result in a protein product. This variant is not present in population databases (gnomAD no frequency). This variant has been observed in individual(s) with Cartilage-hair hypoplasia (PMID: 16838329). In at least one individual the data is consistent with being in trans (on the opposite chromosome) from a pathogenic variant. It has also been observed to segregate with disease in related individuals. This variant is also known as 262G>C. ClinVar contains an entry for this variant (Variation ID: 1299142). In summary, the currently available evidence indicates that the variant is pathogenic, but additional data are needed to prove that conclusively. Therefore, this variant has been classified as Likely Pathogenic.

CeGaT Center for Human Genetics Tuebingen
Classification: Pathogenic. Last evaluated: 2021-09-01. Review status: criteria provided, single submitter. Criteria: CeGaT Center For Human Genetics Tuebingen Variant Classification Criteria Version 2. Collection method: clinical testing. Allele origin: germline. Affected: yes. Observed: 1 variant allele. Not counted in ClinVar's aggregate classification.

Literature cited by the submitters: PubMed 16838329 (cited by Labcorp Genetics (formerly Invitae), Labcorp).